The following is an entry in ClinVar:

ClinVar aggregate classification (germline): Pathogenic (1 of 4 stars; one submission).

Conditions:
Cardiovascular phenotype. Identifiers: MedGen CN230736.

Submission:

Ambry Genetics
Classification: Pathogenic for Cardiovascular phenotype. Last evaluated: 2025-02-24. Review status: criteria provided, single submitter. Criteria: Ambry Variant Classification Scheme 2023. Collection method: clinical testing. Allele origin: germline.
Comment: The c.3786+1G>T intronic variant results from a G to T substitution one nucleotide after coding exon 27 of the DMD gene. Alterations that disrupt the canonical splice site are expected to result in aberrant splicing. A resulting transcript is predicted to be in-frame and is not expected to trigger nonsense-mediated mRNAdecay, although direct evidence is unavailable. However, the region predicted to be impacted is critical for protein function (Ambry internal data). This variant was not reported in population-based cohorts in the Genome Aggregation Database (gnomAD). This nucleotide position is highly conserved in available vertebrate species. In silico splice site analysis predicts that this alteration will weaken the native splice donor site. Based on the available evidence, this alteration is classified as pathogenic.

NM_004006.3(DMD):c.3786+1G>T

Gene: DMD (dystrophin; minus strand). Cytogenetic location: Xp21.1.
Variant type: single nucleotide variant.
Coding change: c.3786+1G>T on transcript NM_004006.3 (MANE Select); the canonical splice donor site of the intron after coding-DNA position 3786, G replaced by T.
Molecular consequence: splice donor variant.
Genome position (GRCh38, 1-based): chrX:32,448,455, C>A on the plus strand (G>T on the coding strand, the complement: DMD is on the minus strand). VCF-style: chrX-32448455-C-A. GRCh37 (hg19) VCF-style: chrX-32466572-C-A.
Other names: c.3762+1G>T (NM_000109.4); c.3774+1G>T (NM_004009.3); c.3417+1G>T (NM_004010.3).
Identifiers: ClinVar variation 3840495 (VCV003840495.1).